The following is an entry in ClinVar:

ClinVar aggregate classification (germline): Conflicting classifications of pathogenicity. Review status: criteria provided, conflicting classifications (1 of 4 stars). 2 submissions from 2 submitters: Uncertain significance (1); Likely benign (1). Last evaluated 2025-03-19.

Submissions (2):

ARUP Laboratories, Molecular Genetics and Genomics, ARUP Laboratories
Classification: Likely benign. Last evaluated: 2025-03-19. Review status: criteria provided, single submitter. Criteria: ARUP Molecular Germline Variant Investigation Process 2024. Collection method: clinical testing. Allele origin: germline.
Comment: The Hb San Bruno variant (HBB: c.120G>C; p.Gln40His, also known as Gln39His when numbered from the mature protein, rs34663314, HbVar ID: 926, ClinVar Variation ID: 801183), has been described as stable and has not been associated with any worsening/compounding phenotype, even when found as compound heterozygous with Hb S (Harris 2021, Hoyer 2002, see HbVar link and references therein). This variant is absent from the Genome Aggregation Database (v2.1.1), indicating it is not a common polymorphism. Computational analyses predict that this variant is deleterious (REVEL: 0.838). Based on available information and no known association with disease, this variant is considered to be likely benign. References: Link to HbVar database: Harris NS et al. When Hemoglobin Reported to Be A, S, and F Are Neither A, S, Nor F: A Tale of Two Patients. J Appl Lab Med. 2021 Mar 1;6(2):543-549. PMID: 32995874. Hoyer JD et al. Four new beta chain hemoglobin variants without clinical or hematological effects: Hb San Bruno [beta39(C5)Gln-->His]; Hb Fort Dodge [beta93(F9)Cys-Tyr]; Hb Rhode Island [beta116(G18)His-->Tyr]; and Hb Inglewood [beta142(H20)Ala-->Thr]. Hemoglobin. 2002 Aug;26(3):299-303. PMID: 12403495.

Quest Diagnostics Nichols Institute San Juan Capistrano
Classification: Uncertain significance. Last evaluated: 2018-11-18. Review status: criteria provided, single submitter. Criteria: Quest Diagnostics criteria. Collection method: clinical testing. Allele origin: germline.

Literature cited by the submitters: PubMed 12403495 (cited by Quest Diagnostics Nichols Institute San Juan Capistrano).

NM_000518.5(HBB):c.120G>C (p.Gln40His)

Genes: HBB (hemoglobin subunit beta; minus strand), LOC106099062 (HBB recombination region; plus strand), LOC107133510 (origin of replication at HBB; plus strand). Cytogenetic location: 11p15.4.
Variant type: single nucleotide variant.
Coding change: c.120G>C on transcript NM_000518.5 (MANE Select); coding-DNA position 120, G replaced by C.
Protein change: p.Gln40His; replaces glutamine 40 with histidine.
Molecular consequence: missense variant.
Genome position (GRCh38, 1-based): chr11:5,226,772, C>G on the plus strand (G>C on the coding strand, the complement: HBB is on the minus strand). VCF-style: chr11-5226772-C-G. GRCh37 (hg19) VCF-style: chr11-5248002-C-G.
Other names: short protein forms Q40H.
Identifiers: ClinVar variation 801183 (VCV000801183.4), dbSNP rs34663314, ClinGen allele CA217114528.
Genomic context (GRCh38, chr11:5,226,772, plus strand): 5'-CTTAGGGTTGCCCATAACAGCATCAGGAGTGGACAGATCCCCAAAGGACTCAAAGAACCT[C>G]TGGGTCCAAGGGTAGACCACCAGCAGCCTAAGGGTGGGAAAATAGACCAATAGGCAGAGA-3'
Protein context (NP_000509.1, residues 30-50): GRLLVVYPWT[Gln40His]RFFESFGDLS